The following is an entry in ClinVar:

Conditions:
Breast-ovarian cancer, familial, susceptibility to, 1 (BROVCA1). Also called: BRCA1 Hereditary Breast and Ovarian Cancer; OVARIAN CANCER, SUSCEPTIBILITY TO. Identifiers: Orphanet 145, MedGen C2676676, MONDO:0011450, OMIM 604370. Disease mechanism: loss of function.

Submission:

Brotman Baty Institute, University of Washington
No classification provided (evidence only). Condition: Breast-ovarian cancer, familial 1. Review status: no classification provided. Collection method: in vitro. Allele origin: not applicable. Functional consequence: functionally_normal.
ClinVar note: "not provided" was previously submitted as the classification for the variant. However, the classification appeared to be based only on an observation of functional data so it was converted to no classification on 2025-07-30.

NM_007294.4(BRCA1):c.236T>A (p.Phe79Tyr)

Gene: BRCA1 (BRCA1 DNA repair associated; minus strand). Cytogenetic location: 17q21.31.
Variant type: single nucleotide variant.
Coding change: c.236T>A on transcript NM_007294.4 (MANE Select); coding-DNA position 236, T replaced by A.
Protein change: p.Phe79Tyr; replaces phenylalanine 79 with tyrosine.
Molecular consequence: missense variant. On other transcripts: non-coding transcript variant (1).
Genome position (GRCh38, 1-based): chr17:43,104,933, A>T on the plus strand (T>A on the coding strand, the complement: BRCA1 is on the minus strand). VCF-style: chr17-43104933-A-T. GRCh37 (hg19) VCF-style: chr17-41256950-A-T.
Other names: c.236T>A, p.Phe79Tyr (NM_001407688.1, NM_001407689.1, NM_001407690.1 and 168 more transcripts); c.95T>A, p.Phe32Tyr (NM_001407692.1, NM_001407694.1, NM_001407695.1 and 99 more transcripts); c.26T>A, p.Phe9Tyr (NM_001407853.1, NM_001407879.1, NM_001407881.1 and 58 more transcripts); c.158T>A, p.Phe53Tyr (NM_001407862.1, NM_001407874.1, NM_001407875.1 and 21 more transcripts); c.-146T>A (NM_001407959.1, NM_001407960.1, NM_001407962.1 and 4 more transcripts); c.104T>A, p.Phe35Tyr (NM_001408451.1); short protein forms F32Y, F79Y, F35Y, F53Y, F9Y.
Identifiers: ClinVar variation 867366 (VCV000867366.3), dbSNP rs2054691717, ClinGen allele CA10601688.
Genomic context (GRCh38, chr17:43,104,933, plus strand): 5'-AAACCTGTGTCAAGCTGAAAAGCACAAATGATTTTCAATAGCTCTTCAACAAGTTGACTA[A>T]ATCTCGTACTTTCTTGTAGGCTCCTGAAATTAAATTGTTTGAGAAACACACTCAGCAAGT-3'
Protein context (NP_009225.1, residues 69-89): TKRSLQESTR[Phe79Tyr]SQLVEELLKI